The following is an entry in ClinVar:

NM_001378454.1(ALMS1):c.12256C>T (p.Arg4086Trp)

Genes: ALMS1 (ALMS1 centrosome and basal body associated protein; plus strand), LOC126806252 (BRD4-independent group 4 enhancer GRCh37_chr2:73828496-73829695; plus strand). Cytogenetic location: 2p13.1.
Variant type: single nucleotide variant.
Coding change: c.12256C>T on transcript NM_001378454.1 (MANE Select); coding-DNA position 12256, C replaced by T.
Protein change: p.Arg4086Trp; replaces arginine 4086 with tryptophan.
Molecular consequence: missense variant.
Genome position (GRCh38, 1-based): chr2:73,602,326, C>T. VCF-style: chr2-73602326-C-T. GRCh37 (hg19) VCF-style: chr2-73829453-C-T.
Other names: c.12259C>T, p.Arg4087Trp (NM_015120.4); short protein forms R4086W, R4087W.
Identifiers: ClinVar variation 918103 (VCV000918103.6), dbSNP rs779618627, ClinGen allele CA1715496.
Genomic context (GRCh38, chr2:73,602,326, plus strand): 5'-AGGAAGCTGCAGAGCATGTTACAGACCGAGCGGGATGCACTATTCAACATTGACAGGGAA[C>T]GGCAGGGCCACCAGAATCGCATGTGCCCGCTGCCCAAGAGAGGTACGCCCTGCCCGTTCA-3'
Protein context (NP_001365383.1, residues 4076-4096): RDALFNIDRE[Arg4086Trp]QGHQNRMCPL

ClinVar aggregate classification (germline): Uncertain significance. Review status: criteria provided, multiple submitters, no conflicts (2 of 4 stars). 3 submissions from 3 submitters: Uncertain significance (2). 1 of the submissions does not count toward it. Last evaluated 2025-12-31.

Conditions:
Alstrom syndrome (ALMS). Identifiers: Orphanet 64, MedGen C0268425, MONDO:0008763, OMIM 203800.

Allele frequency attached by ClinVar (database versions not stated): gnomAD exomes below 0.00001 and 0.00002; ExAC 0.00001; gnomAD 0.00001; TOPMed 0.00001.
gnomAD v4.1: 9 of 1,614,080 alleles (0.00056%); highest among the groups gnomAD compares: Middle Eastern, 0.016%; no homozygotes.

Submissions (3):

Labcorp Genetics (formerly Invitae), Labcorp
Classification: Uncertain significance for Alstrom syndrome. Last evaluated: 2025-12-31. Review status: criteria provided, single submitter. Criteria: Invitae Variant Classification Sherloc (09022015). Collection method: clinical testing. Allele origin: germline.
Comment: This sequence change replaces arginine, which is basic and polar, with tryptophan, which is neutral and slightly polar, at codon 4087 of the ALMS1 protein (p.Arg4087Trp). This variant is present in population databases (rs779618627, gnomAD 0.003%). This variant has not been reported in the literature in individuals affected with ALMS1-related conditions. ClinVar contains an entry for this variant (Variation ID: 918103). An algorithm developed to predict the effect of missense changes on protein structure and function outputs the following: PolyPhen-2: "Not Available". The tryptophan amino acid residue is found in multiple mammalian species, which suggests that this missense change does not adversely affect protein function. In summary, the available evidence is currently insufficient to determine the role of this variant in disease. Therefore, it has been classified as a Variant of Uncertain Significance.

Women's Health and Genetics/Laboratory Corporation of America, LabCorp
Classification: Uncertain significance. Last evaluated: 2020-03-11. Review status: criteria provided, single submitter. Criteria: LabCorp Variant Classification Summary - May 2015. Collection method: clinical testing. Allele origin: germline.
Comment: Variant summary: ALMS1 c.12253C>T (p.Arg4085Trp) results in a non-conservative amino acid change located in the ALMS motif (IPR029299) of the encoded protein sequence. Four of five in-silico tools predict a benign effect of the variant on protein function. The variant allele was found at a frequency of 1.6e-05 in 251402 control chromosomes (gnomAD). The available data on variant occurrences in the general population are insufficient to allow any conclusion about variant significance. To our knowledge, no occurrence of c.12253C>T in individuals affected with Cardiomyopathy and no experimental evidence demonstrating its impact on protein function have been reported. At least one co-occurrence with another pathogenic variant has been internally reported (TTN c.85692_85696delAGCTT, p.Trp28566X), providing supporting evidence for a benign role. No clinical diagnostic laboratories have submitted clinical-significance assessments for this variant to ClinVar after 2014. Based on the evidence outlined above, the variant was classified as uncertain significance.

Natera, Inc.
Classification: Uncertain significance for Alstrom syndrome. Last evaluated: 2020-11-04. Review status: no assertion criteria provided. Collection method: clinical testing. Allele origin: germline. Not counted in ClinVar's aggregate classification.